The following is an entry in ClinVar:

ClinVar aggregate classification (germline): Uncertain significance. Review status: criteria provided, multiple submitters, no conflicts (2 of 4 stars). 3 submissions from 3 submitters: Uncertain significance (3). Last evaluated 2023-04-21.

Conditions:
Cardiovascular phenotype. Identifiers: MedGen CN230736.
Hypertrophic cardiomyopathy 10. Also called: CARDIOMYOPATHY, HYPERTROPHIC, MID-LEFT VENTRICULAR CHAMBER TYPE, 2; MYL2-Related Familial Hypertrophic Cardiomyopathy. Identifiers: MedGen C1834460, MONDO:0012112, OMIM 608758.

Submissions (3):

Labcorp Genetics (formerly Invitae), Labcorp
Classification: Uncertain significance for Hypertrophic cardiomyopathy 10. Last evaluated: 2023-04-21. Review status: criteria provided, single submitter. Criteria: Invitae Variant Classification Sherloc (09022015). Collection method: clinical testing. Allele origin: germline.
Comment: This sequence change replaces glutamic acid, which is acidic and polar, with lysine, which is basic and polar, at codon 97 of the MYL2 protein (p.Glu97Lys). This variant is not present in population databases (gnomAD no frequency). This variant has not been reported in the literature in individuals affected with MYL2-related conditions. ClinVar contains an entry for this variant (Variation ID: 464143). An algorithm developed to predict the effect of missense changes on protein structure and function (PolyPhen-2) suggests that this variant is likely to be disruptive. In summary, the available evidence is currently insufficient to determine the role of this variant in disease. Therefore, it has been classified as a Variant of Uncertain Significance.

Blueprint Genetics
Classification: Uncertain significance. Last evaluated: 2023-02-16. Review status: criteria provided, single submitter. Criteria: ACMG Guidelines, 2015. Collection method: clinical testing. Allele origin: germline.

Ambry Genetics
Classification: Uncertain significance for Cardiovascular phenotype. Last evaluated: 2022-08-11. Review status: criteria provided, single submitter. Criteria: Ambry Variant Classification Scheme 2023. Collection method: clinical testing. Allele origin: germline.
Comment: The p.E97K variant (also known as c.289G>A), located in coding exon 5 of the MYL2 gene, results from a G to A substitution at nucleotide position 289. The glutamic acid at codon 97 is replaced by lysine, an amino acid with similar properties. This amino acid position is highly conserved in available vertebrate species. In addition, this alteration is predicted to be deleterious by in silico analysis. Since supporting evidence is limited at this time, the clinical significance of this alteration remains unclear.

NM_000432.4(MYL2):c.289G>A (p.Glu97Lys)

Gene: MYL2 (myosin light chain 2; minus strand). Cytogenetic location: 12q24.11.
Variant type: single nucleotide variant.
Coding change: c.289G>A on transcript NM_000432.4 (MANE Select); coding-DNA position 289, G replaced by A.
Protein change: p.Glu97Lys; replaces glutamic acid 97 with lysine.
Molecular consequence: missense variant.
Genome position (GRCh38, 1-based): chr12:110,913,310, C>T on the plus strand (G>A on the coding strand, the complement: MYL2 is on the minus strand). VCF-style: chr12-110913310-C-T. GRCh37 (hg19) VCF-style: chr12-111351114-C-T.
Other names: short protein forms E97K.
Identifiers: ClinVar variation 464143 (VCV000464143.12), dbSNP rs1555257777, ClinGen allele CA386698121.